The following is an entry in ClinVar:

NM_003628.6(PKP4):c.2707G>A (p.Val903Ile)

Genes: PKP4 (plakophilin 4; plus strand), PKP4-AS1 (PKP4 antisense RNA 1; minus strand). Cytogenetic location: 2q24.1.
Variant type: single nucleotide variant.
Coding change: c.2707G>A on transcript NM_003628.6 (MANE Select); coding-DNA position 2707, G replaced by A.
Protein change: p.Val903Ile; replaces valine 903 with isoleucine.
Molecular consequence: missense variant.
Genome position (GRCh38, 1-based): chr2:158,666,542, G>A. VCF-style: chr2-158666542-G-A. GRCh37 (hg19) VCF-style: chr2-159523054-G-A.
Other names: c.2707G>A, p.Val903Ile (NM_001377218.1, NM_001377225.1, NM_001005476.4 and 1 more transcripts); c.2704G>A, p.Val902Ile (NM_001377219.1, NM_001377220.1, NM_001377221.1 and 2 more transcripts); c.2701G>A, p.Val901Ile (NM_001377222.1, NM_001377223.1); c.2698G>A, p.Val900Ile (NM_001377224.1); c.1678G>A, p.Val560Ile (NM_001304970.3); short protein forms V900I, V902I, V560I, V901I, V903I.
Identifiers: ClinVar variation 1794999 (VCV001794999.2), dbSNP rs367613300, ClinGen allele CA348904505.

ClinVar aggregate classification (germline): Uncertain significance (1 of 4 stars; one submission).

Allele frequency attached by ClinVar (database versions not stated): TOPMed 0.00001.
gnomAD v4.1: 5 of 1,612,462 alleles (0.00031%); highest among the groups gnomAD compares: African/African-American, 0.0067%; no homozygotes.

Submission:

Ambry Genetics
Classification: Uncertain significance. Last evaluated: 2022-10-14. Review status: criteria provided, single submitter. Criteria: Ambry Variant Classification Scheme 2023. Collection method: clinical testing. Allele origin: germline.
Comment: The p.V903I variant (also known as c.2707G>A), located in coding exon 15 of the PKP4 gene, results from a G to A substitution at nucleotide position 2707. The valine at codon 903 is replaced by isoleucine, an amino acid with highly similar properties. This amino acid position is conserved. In addition, this alteration is predicted to be tolerated by in silico analysis. Since supporting evidence is limited at this time, the clinical significance of this alteration remains unclear.